The following is an entry in ClinVar:

ClinVar aggregate classification (germline): Conflicting classifications of pathogenicity. Review status: criteria provided, conflicting classifications (1 of 4 stars). 2 submissions from 2 submitters: Uncertain significance (1); Likely benign (1). Last evaluated 2026-08-01.

Conditions:
Inborn genetic diseases. Identifiers: MedGen C0950123, MeSH D030342.

gnomAD v4.1: 81 of 1,613,984 alleles (0.005%); highest among the groups gnomAD compares: East Asian, 0.042%; 1 homozygote.

Submissions (2):

CeGaT Center for Human Genetics Tuebingen
Classification: Likely benign. Last evaluated: 2026-08-01. Review status: criteria provided, single submitter. Criteria: CeGaT Center For Human Genetics Tuebingen Variant Classification Criteria Version 2. Collection method: clinical testing. Allele origin: germline. Affected: yes. Observed: 1 variant allele.
Comment: FMN2: BP4

Ambry Genetics
Classification: Uncertain significance for Inborn genetic diseases. Last evaluated: 2025-12-22. Review status: criteria provided, single submitter. Criteria: Ambry Variant Classification Scheme 2023. Collection method: clinical testing. Allele origin: germline.

NM_020066.5(FMN2):c.2257G>T (p.Gly753Trp)

Gene: FMN2 (formin 2; plus strand). Cytogenetic location: 1q43.
Variant type: single nucleotide variant.
Coding change: c.2257G>T on transcript NM_020066.5 (MANE Select); coding-DNA position 2257, G replaced by T.
Protein change: p.Gly753Trp; replaces glycine 753 with tryptophan.
Molecular consequence: missense variant. On other transcripts: intron variant (1).
Genome position (GRCh38, 1-based): chr1:240,207,069, G>T. VCF-style: chr1-240207069-G-T. GRCh37 (hg19) VCF-style: chr1-240370369-G-T.
Other names: c.2269G>T, p.Gly757Trp (NM_001305424.2); c.1986+18807G>T (NM_001348094.2); short protein forms G757W, G753W.
Identifiers: ClinVar variation 3095813 (VCV003095813.3), dbSNP rs367554600, ClinGen allele CA1476586.
Genomic context (GRCh38, chr1:240,207,069, plus strand): 5'-GTACGGCATCATAGGATTTTAGAGGCGAAATCGATACAGACTTCCCCCACGGAAGAGGGC[G>T]GGGTGCTGACACTGCCTCCTGTGGATGGGCTGCCAGGGCGTCCTCCATGCCCCCCTGGGG-3'
Protein context (NP_064450.3, residues 743-763): SIQTSPTEEG[Gly753Trp]VLTLPPVDGL